The following is an entry in ClinVar:

ClinVar aggregate classification (germline): Benign/Likely benign. Review status: criteria provided, multiple submitters, no conflicts (2 of 4 stars). 7 submissions from 7 submitters: Benign (1); Likely benign (6). Last evaluated 2026-01-05.

Conditions:
Hereditary nonpolyposis colorectal neoplasms. Identifiers: MedGen C0009405, MeSH D003123.
Hereditary cancer-predisposing syndrome. Also called: Tumor predisposition; Hereditary neoplastic syndrome; Neoplastic Syndromes, Hereditary; Hereditary Cancer Syndrome. Identifiers: Orphanet 140162, MedGen C0027672, MeSH D009386, MONDO:0015356.
Lynch syndrome. Identifiers: Orphanet 144, MedGen C4552100, MONDO:0005835. Disease mechanism: loss of function.
Lynch syndrome 5 (LYNCH5). Also called: Colorectal cancer, hereditary nonpolyposis, type 5; Hereditary non-polyposis colorectal cancer, type 5. Identifiers: Orphanet 144, MedGen C1833477, MONDO:0013710, OMIM 614350. Disease mechanism: loss of function.

Allele frequency attached by ClinVar (database versions not stated): gnomAD 0.00001; TOPMed 0.00001; ESP Exome Variant Server 0.00008.
gnomAD v4.1: 1 of 1,610,048 alleles (0.000062%); highest among the groups gnomAD compares: African/African-American, 0.0013%; no homozygotes.

Submissions (7):

Labcorp Genetics (formerly Invitae), Labcorp
Classification: Likely benign for Hereditary nonpolyposis colorectal neoplasms. Last evaluated: 2026-01-05. Review status: criteria provided, single submitter. Criteria: Invitae Variant Classification Sherloc (09022015). Collection method: clinical testing. Allele origin: germline.

Women's Health and Genetics/Laboratory Corporation of America, LabCorp
Classification: Likely benign. Last evaluated: 2025-05-30. Review status: criteria provided, single submitter. Criteria: LabCorp Variant Classification Summary - May 2015. Collection method: clinical testing. Allele origin: germline.

Myriad Genetics, Inc.
Classification: Benign for Lynch syndrome 5. Last evaluated: 2024-12-17. Review status: criteria provided, single submitter. Criteria: Myriad Autosomal Dominant, Autosomal Recessive and X-Linked Classification Criteria (2023). Collection method: clinical testing. Allele origin: unknown.
Comment: This variant is considered benign. This variant is a silent/synonymous amino acid change and it is not expected to impact splicing.

All of Us Research Program, National Institutes of Health
Classification: Likely benign for Lynch syndrome. Last evaluated: 2023-02-24. Review status: criteria provided, single submitter. Criteria: ACMG Guidelines, 2015. Collection method: clinical testing. Allele origin: germline. Inheritance: Autosomal dominant inheritance. Observed: 1 variant allele, 1 heterozygote.
Comment: This study involves interpretation of variants in research participants for the purpose of population health screening. Participant phenotype was not available at the time of variant classification. Additional details can be found in publication PMID: 35346344, PMCID: PMC8962531

GeneDx
Classification: Likely benign. Last evaluated: 2019-11-21. Review status: criteria provided, single submitter. Criteria: GeneDx Variant Classification Process June 2021. Collection method: clinical testing. Allele origin: germline. Affected: yes.

Ambry Genetics
Classification: Likely benign for Hereditary cancer-predisposing syndrome. Last evaluated: 2017-11-06. Review status: criteria provided, single submitter. Criteria: Ambry Variant Classification Scheme 2023. Collection method: clinical testing. Allele origin: germline.

Color Diagnostics, LLC DBA Color Health
Classification: Likely benign for Hereditary cancer-predisposing syndrome. Last evaluated: 2016-05-10. Review status: criteria provided, single submitter. Criteria: ACMG Guidelines, 2015. Collection method: clinical testing. Allele origin: germline.

NM_000179.3(MSH6):c.93C>T (p.Gly31=)

Gene: MSH6 (mutS homolog 6; plus strand). Cytogenetic location: 2p16.3.
Variant type: single nucleotide variant.
Coding change: c.93C>T on transcript NM_000179.3 (MANE Select); coding-DNA position 93, C replaced by T.
Protein change: p.Gly31=; no amino-acid change (glycine 31 retained).
Molecular consequence: synonymous variant. On other transcripts: 5 prime UTR variant (1).
Genome position (GRCh38, 1-based): chr2:47,783,326, C>T. VCF-style: chr2-47783326-C-T. GRCh37 (hg19) VCF-style: chr2-48010465-C-T.
Other names: c.93C>T, p.Gly31= (NM_001281492.2); c.-644C>T (NM_001281493.2).
Identifiers: ClinVar variation 382003 (VCV000382003.22), dbSNP rs370817805, ClinGen allele CA16604566.
Genomic context (GRCh38, chr2:47,783,326, plus strand): 5'-CCCCAAGTCTCCGGCGCTGAGTGATGCCAACAAGGCCTCGGCCAGGGCCTCACGCGAAGG[C>T]GGCCGTGCCGCCGCTGCCCCCGGGGCCTCTCCTTCCCCAGGCGGGGATGCGGCCTGGAGC-3'
Protein context (NP_000170.1, residues 21-41): NKASARASRE[Gly31=]GRAAAAPGAS